The following is an entry in ClinVar:

NM_007200.5(AKAP13):c.6240G>A (p.Val2080=)

Gene: AKAP13 (A-kinase anchoring protein 13; plus strand). Cytogenetic location: 15q25.3.
Variant type: single nucleotide variant.
Coding change: c.6240G>A on transcript NM_007200.5 (MANE Select); coding-DNA position 6240, G replaced by A.
Protein change: p.Val2080=; no amino-acid change (valine 2080 retained).
Molecular consequence: synonymous variant.
Genome position (GRCh38, 1-based): chr15:85,719,314, G>A. VCF-style: chr15-85719314-G-A. GRCh37 (hg19) VCF-style: chr15-86262545-G-A.
Other names: c.2103G>A, p.Val701= (NM_001270546.1); c.6252G>A, p.Val2084= (NM_006738.6).
Identifiers: ClinVar variation 2645660 (VCV002645660.24), dbSNP rs114643212, ClinGen allele CA7713761.

ClinVar aggregate classification (germline): Likely benign (1 of 4 stars; one submission).

Allele frequency attached by ClinVar (database versions not stated): 1000 Genomes Project 0.00200; 1000 Genomes Project 30x 0.00203; TOPMed 0.00222; gnomAD 0.00273; ESP Exome Variant Server 0.00292; gnomAD exomes 0.00356; ExAC 0.00424.
gnomAD v4.1: 5,604 of 1,614,182 alleles (0.35%); highest among the groups gnomAD compares: Non-Finnish European, 0.4%; 16 homozygotes.

Submission:

CeGaT Center for Human Genetics Tuebingen
Classification: Likely benign. Last evaluated: 2022-11-01. Review status: criteria provided, single submitter. Criteria: CeGaT Center For Human Genetics Tuebingen Variant Classification Criteria Version 2. Collection method: clinical testing. Allele origin: germline. Affected: yes. Observed: 2 variant alleles.
Comment: AKAP13: BP4, BP7, BS2